The following is an entry in ClinVar:

ClinVar aggregate classification (germline): Conflicting classifications of pathogenicity. Review status: criteria provided, conflicting classifications (1 of 4 stars). 4 submissions from 4 submitters: Uncertain significance (1); Likely benign (3). Last evaluated 2026-10-01.

Conditions:
Hereditary spastic paraplegia 6 (SPG6). Also called: SPASTIC PARAPLEGIA 6, AUTOSOMAL DOMINANT. Identifiers: Orphanet 100988, MedGen C1838192, MONDO:0010878, OMIM 600363.
Hereditary spastic paraplegia. Also called: Familial spastic paraparesis. Identifiers: Orphanet 685, MedGen C0037773, MONDO:0019064. Disease mechanism: loss of function.

Allele frequency attached by ClinVar (database versions not stated): ExAC 0.00011; gnomAD exomes 0.00012 and 0.00021; gnomAD 0.00014 and 0.00015; TOPMed 0.00016; ESP Exome Variant Server 0.00023.
gnomAD v4.1: 325 of 1,614,108 alleles (0.02%); highest among the groups gnomAD compares: Non-Finnish European, 0.027%; 2 homozygotes.

Submissions (4):

CeGaT Center for Human Genetics Tuebingen
Classification: Likely benign. Last evaluated: 2026-10-01. Review status: criteria provided, single submitter. Criteria: CeGaT Center For Human Genetics Tuebingen Variant Classification Criteria Version 2. Collection method: clinical testing. Allele origin: germline. Affected: yes. Observed: 3 variant alleles.
Comment: NIPA1: BP4, BP7

Labcorp Genetics (formerly Invitae), Labcorp
Classification: Likely benign for Hereditary spastic paraplegia 6. Last evaluated: 2026-01-27. Review status: criteria provided, single submitter. Criteria: Invitae Variant Classification Sherloc (09022015). Collection method: clinical testing. Allele origin: germline.

Genome Diagnostics Laboratory, The Hospital for Sick Children
Classification: Uncertain significance for Hereditary spastic paraplegia. Last evaluated: 2020-01-14. Review status: criteria provided, single submitter. Criteria: ACMG Guidelines, 2015. Collection method: clinical testing. Allele origin: germline. Affected: yes.

Illumina Laboratory Services, Illumina
Classification: Likely benign for Hereditary spastic paraplegia 6. Last evaluated: 2018-01-13. Review status: criteria provided, single submitter. Criteria: ICSL Variant Classification Criteria 13 December 2019. Collection method: clinical testing. Allele origin: germline.
Comment: This variant was observed in the ICSL laboratory as part of a predisposition screen in an ostensibly healthy population. It had not been previously curated by ICSL or reported in the Human Gene Mutation Database (HGMD: prior to June 1st, 2018), and was therefore a candidate for classification through an automated scoring system. Utilizing variant allele frequency, disease prevalence and penetrance estimates, and inheritance mode, an automated score was calculated to assess if this variant is too frequent to cause the disease. Based on the score and internal cut-off values, a variant classified as likely benign is not then subjected to further curation. The score for this variant resulted in a classification of likely benign for this disease.

NM_144599.5(NIPA1):c.681C>T (p.Leu227=)

Gene: NIPA1 (NIPA magnesium transporter 1; plus strand). Cytogenetic location: 15q11.2.
Variant type: single nucleotide variant.
Coding change: c.681C>T on transcript NM_144599.5 (MANE Select); coding-DNA position 681, C replaced by T.
Protein change: p.Leu227=; no amino-acid change (leucine 227 retained).
Molecular consequence: synonymous variant.
Genome position (GRCh38, 1-based): chr15:22,823,930, C>T. VCF-style: chr15-22823930-C-T. GRCh37 (hg19) VCF-style: chr15-23049138-G-A.
Other names: c.456C>T, p.Leu152= (NM_001142275.1).
Identifiers: ClinVar variation 699096 (VCV000699096.38), dbSNP rs200282898, ClinGen allele CA7426015.